The following is an entry in ClinVar:

NC_000021.8:g.(?_47529674)_47540994del

Gene: COL6A2 (collagen type VI alpha 2 chain; plus strand).
Variant type: Deletion.
Identifiers: ClinVar variation 1070014 (VCV001070014.2).

ClinVar aggregate classification (germline): Pathogenic (1 of 4 stars; one submission).

Conditions:
Bethlem myopathy 1A. Also called: Bethlem Muscular Dystrophy; MYOPATHY, BENIGN CONGENITAL, WITH CONTRACTURES; Bethlem myopathy 1. Identifiers: Orphanet 610, MedGen CN029274, MONDO:0024530, OMIM 158810.

Submission:

Labcorp Genetics (formerly Invitae), Labcorp
Classification: Pathogenic for Bethlem myopathy 1A. Last evaluated: 2020-10-07. Review status: criteria provided, single submitter. Criteria: Invitae Variant Classification Sherloc (09022015). Collection method: clinical testing. Allele origin: germline.
Comment: This variant results in the deletion of exon(s) 2-16 and part of exon 17 (c.-27-1690_1415delinsC) of the COL6A2 gene, which includes the initiator codon. This is expected to result in an absent or disrupted protein product. This variant has not been reported in the literature in individuals with COL6A2-related conditions. Loss-of-function variants in COL6A2 are known to be pathogenic (PMID: 19884007, 20976770). For these reasons, this variant has been classified as Pathogenic.

Literature cited by the submitters: PubMed 19884007; PubMed 20976770.